The following is an entry in ClinVar:

ClinVar aggregate classification (germline): Uncertain significance (1 of 4 stars; one submission).

gnomAD v4.1: 3 of 1,614,024 alleles (0.00019%); highest among the groups gnomAD compares: East Asian, 0.0045%; no homozygotes.

Submission:

GeneDx
Classification: Uncertain significance. Last evaluated: 2024-05-01. Review status: criteria provided, single submitter. Criteria: GeneDx Variant Classification Process June 2021. Collection method: clinical testing. Allele origin: germline. Affected: yes.
Comment: Not observed at significant frequency in large population cohorts (gnomAD); In silico analysis supports that this missense variant has a deleterious effect on protein structure/function; Has not been previously published as pathogenic or benign to our knowledge

NM_020117.11(LARS1):c.1801A>G (p.Met601Val)

Gene: LARS1 (leucyl-tRNA synthetase 1; minus strand). Cytogenetic location: 5q32.
Variant type: single nucleotide variant.
Coding change: c.1801A>G on transcript NM_020117.11 (MANE Select); coding-DNA position 1801, A replaced by G.
Protein change: p.Met601Val; replaces methionine 601 with valine.
Molecular consequence: missense variant.
Genome position (GRCh38, 1-based): chr5:146,143,488, T>C on the plus strand (A>G on the coding strand, the complement: LARS1 is on the minus strand). VCF-style: chr5-146143488-T-C. GRCh37 (hg19) VCF-style: chr5-145523051-T-C.
Other names: c.1663A>G, p.Met555Val (NM_001317964.2); c.1639A>G, p.Met547Val (NM_001317965.2); c.1720A>G, p.Met574Val (NM_016460.4); short protein forms M547V, M555V, M574V, M601V.
Identifiers: ClinVar variation 3373297 (VCV003373297.1).
Genomic context (GRCh38, chr5:146,143,488, plus strand): 5'-ACTCTGCCTGTCCATGCAAGTTACCCCCCTGCAATAGGTGTGCAACTGTGTAAAATGCCA[T>C]GTAAATAGTGGAGTCAGAAAGTGATTCAATCAGCCACTGCTCATCCCAAGGCAGGTGAGT-3'
Protein context (NP_064502.9, residues 591-611): IESLSDSTIY[Met601Val]AFYTVAHLLQ